The following is an entry in ClinVar:

ClinVar aggregate classification (germline): not provided (0 of 4 stars; one submission).

Submission:

Richard Lifton Laboratory, Yale University School of Medicine
No classification provided. Review status: no classification provided. Collection method: not provided. Allele origin: germline.
Comment: USP44
ClinVar note: Converted during submission from untested to not provided.

NM_032147.5(USP44):c.213G>T (p.Glu71Asp)

Gene: USP44 (ubiquitin specific peptidase 44; minus strand). Cytogenetic location: 12q22.
Variant type: single nucleotide variant.
Coding change: c.213G>T on transcript NM_032147.5 (MANE Select); coding-DNA position 213, G replaced by T.
Protein change: p.Glu71Asp; replaces glutamic acid 71 with aspartic acid.
Molecular consequence: missense variant. On other transcripts: non-coding transcript variant (6).
Genome position (GRCh38, 1-based): chr12:95,534,044, C>A on the plus strand (G>T on the coding strand, the complement: USP44 is on the minus strand). VCF-style: chr12-95534044-C-A. GRCh37 (hg19) VCF-style: chr12-95927820-C-A.
Other names: c.213G>T, p.Glu71Asp (NM_001042403.3, NM_001278393.2, NM_001347936.2 and 1 more transcripts); short protein forms E71D.
Identifiers: ClinVar variation 135635 (VCV000135635.2), dbSNP rs11548854, ClinGen allele CA232424.